The following is an entry in ClinVar:

NM_030957.4(ADAMTS10):c.1235G>A (p.Arg412His)

Gene: ADAMTS10 (ADAM metallopeptidase with thrombospondin type 1 motif 10; minus strand). Cytogenetic location: 19p13.2.
Variant type: single nucleotide variant.
Coding change: c.1235G>A on transcript NM_030957.4 (MANE Select); coding-DNA position 1235, G replaced by A.
Protein change: p.Arg412His; replaces arginine 412 with histidine.
Molecular consequence: missense variant.
Genome position (GRCh38, 1-based): chr19:8,596,175, C>T on the plus strand (G>A on the coding strand, the complement: ADAMTS10 is on the minus strand). VCF-style: chr19-8596175-C-T. GRCh37 (hg19) VCF-style: chr19-8661059-C-T.
Other names: c.1235G>A (NM_030957.2); short protein forms R412H.
Identifiers: ClinVar variation 1991774 (VCV001991774.5), dbSNP rs375068434, ClinGen allele CA9160567.
Genomic context (GRCh38, chr19:8,596,175, plus strand): 5'-ACGAATGGGTTGGTCTTCATGGTAATGTGGGCAGCCATGAGCTTGGCTGGGTCCTGACCA[C>T]GGGCCCCACAGCTGTTTCCCACGCCGTCATGGTTCATGCCGAATCTGGGGAAAGGGGTGT-3'
Protein context (NP_112219.3, residues 402-422): HDGVGNSCGA[Arg412His]GQDPAKLMAA

ClinVar aggregate classification (germline): Uncertain significance. Review status: criteria provided, multiple submitters, no conflicts (2 of 4 stars). 2 submissions from 2 submitters: Uncertain significance (2). Last evaluated 2025-08-10.

Conditions:
Inborn genetic diseases. Identifiers: MedGen C0950123, MeSH D030342.

Allele frequency attached by ClinVar (database versions not stated): gnomAD exomes below 0.00001; ExAC 0.00002; TOPMed 0.00002; ESP Exome Variant Server 0.00008.
gnomAD v4.1: 8 of 1,614,144 alleles (0.0005%); highest among the groups gnomAD compares: Admixed American, 0.0033%; no homozygotes.

Submissions (2):

Ambry Genetics
Classification: Uncertain significance for Inborn genetic diseases. Last evaluated: 2025-08-10. Review status: criteria provided, single submitter. Criteria: Ambry Variant Classification Scheme 2023. Collection method: clinical testing. Allele origin: germline.

Labcorp Genetics (formerly Invitae), Labcorp
Classification: Uncertain significance. Last evaluated: 2023-10-03. Review status: criteria provided, single submitter. Criteria: Invitae Variant Classification Sherloc (09022015). Collection method: clinical testing. Allele origin: germline.
Comment: This sequence change replaces arginine, which is basic and polar, with histidine, which is basic and polar, at codon 412 of the ADAMTS10 protein (p.Arg412His). This variant is present in population databases (rs375068434, gnomAD 0.003%). This variant has not been reported in the literature in individuals affected with ADAMTS10-related conditions. ClinVar contains an entry for this variant (Variation ID: 1991774). An algorithm developed to predict the effect of missense changes on protein structure and function (PolyPhen-2) suggests that this variant is likely to be tolerated. In summary, the available evidence is currently insufficient to determine the role of this variant in disease. Therefore, it has been classified as a Variant of Uncertain Significance.